The following is an entry in ClinVar:

NM_007129.5(ZIC2):c.1558C>G (p.His520Asp)

Gene: ZIC2 (Zic family zinc finger 2; plus strand). Cytogenetic location: 13q32.3.
Variant type: single nucleotide variant.
Coding change: c.1558C>G on transcript NM_007129.5 (MANE Select); coding-DNA position 1558, C replaced by G.
Protein change: p.His520Asp; replaces histidine 520 with aspartic acid.
Molecular consequence: missense variant.
Genome position (GRCh38, 1-based): chr13:99,985,641, C>G. VCF-style: chr13-99985641-C-G. GRCh37 (hg19) VCF-style: chr13-100637895-C-G.
Other names: short protein forms H520D.
Identifiers: ClinVar variation 2142569 (VCV002142569.4), dbSNP rs1220862954, ClinGen allele CA388639807.
Genomic context (GRCh38, chr13:99,985,641, plus strand): 5'-GGCGGGGCGGGCGGCGGGGGCGGCGGCAGCTCTGGCGGGGGCAGCGGGACAGCCGGGGGT[C>G]ACAGCGGCCTCTCCTCCAACTTCAATGAATGGTACGTGTGACGGGTCGGGGCCTCTCTCC-3'
Protein context (NP_009060.2, residues 510-530): SGGGSGTAGG[His520Asp]SGLSSNFNEW

ClinVar aggregate classification (germline): Uncertain significance (1 of 4 stars; one submission).

Conditions:
Holoprosencephaly 5 (HPE5). Identifiers: Orphanet 2162, MedGen C1864827, MONDO:0012322, OMIM 609637.

Allele frequency attached by ClinVar (database versions not stated): gnomAD exomes below 0.00001; TOPMed below 0.00001; gnomAD 0.00001.
gnomAD v4.1: 4 of 1,289,724 alleles (0.00031%); highest among the groups gnomAD compares: Non-Finnish European, 0.0004%; no homozygotes.

Submission:

Labcorp Genetics (formerly Invitae), Labcorp
Classification: Uncertain significance for Holoprosencephaly 5. Last evaluated: 2022-08-21. Review status: criteria provided, single submitter. Criteria: Invitae Variant Classification Sherloc (09022015). Collection method: clinical testing. Allele origin: germline.
Comment: This variant is present in population databases (no rsID available, gnomAD 0.001%). In summary, the available evidence is currently insufficient to determine the role of this variant in disease. Therefore, it has been classified as a Variant of Uncertain Significance. Algorithms developed to predict the effect of missense changes on protein structure and function are either unavailable or do not agree on the potential impact of this missense change (SIFT: "Tolerated"; PolyPhen-2: "Not Available"; Align-GVGD: "Class C0"). This variant has not been reported in the literature in individuals affected with ZIC2-related conditions. This sequence change replaces histidine, which is basic and polar, with aspartic acid, which is acidic and polar, at codon 520 of the ZIC2 protein (p.His520Asp).